The following is an entry in ClinVar:

ClinVar aggregate classification (germline): Uncertain significance (1 of 4 stars; one submission).

Conditions:
Arrhythmogenic right ventricular dysplasia 11. Also called: ARRHYTHMOGENIC RIGHT VENTRICULAR DYSPLASIA, FAMILIAL, 11; Arrhythmogenic Right Ventricular Dysplasia/Cardiomyopathy11; Arrhythmogenic right ventricular dysplasia 11 with mild palmoplantar keratoderma and woolly hair. Identifiers: MedGen C1864850, MONDO:0012506, OMIM 610476.

Submission:

Labcorp Genetics (formerly Invitae), Labcorp
Classification: Uncertain significance for Arrhythmogenic right ventricular dysplasia 11. Last evaluated: 2023-01-10. Review status: criteria provided, single submitter. Criteria: Invitae Variant Classification Sherloc (09022015). Collection method: clinical testing. Allele origin: germline.
Comment: This sequence change replaces glycine, which is neutral and non-polar, with serine, which is neutral and polar, at codon 77 of the DSC2 protein (p.Gly77Ser). This variant is not present in population databases (gnomAD no frequency). This missense change has been observed in individual(s) with arrhythmogenic cardiomyopathy (PMID: 24125834). Advanced modeling of protein sequence and biophysical properties (such as structural, functional, and spatial information, amino acid conservation, physicochemical variation, residue mobility, and thermodynamic stability) performed at Invitae indicates that this missense variant is expected to disrupt DSC2 protein function. In summary, the available evidence is currently insufficient to determine the role of this variant in disease. Therefore, it has been classified as a Variant of Uncertain Significance.

Literature cited by the submitters: PubMed 24125834.

NM_024422.6(DSC2):c.229G>A (p.Gly77Ser)

Gene: DSC2 (desmocollin 2; minus strand). Cytogenetic location: 18q12.1.
Variant type: single nucleotide variant.
Coding change: c.229G>A on transcript NM_024422.6 (MANE Select); coding-DNA position 229, G replaced by A.
Protein change: p.Gly77Ser; replaces glycine 77 with serine.
Molecular consequence: missense variant. On other transcripts: 5 prime UTR variant (2).
Genome position (GRCh38, 1-based): chr18:31,092,226, C>T on the plus strand (G>A on the coding strand, the complement: DSC2 is on the minus strand). VCF-style: chr18-31092226-C-T. GRCh37 (hg19) VCF-style: chr18-28672189-C-T.
Other names: c.-201G>A (NM_001406506.1, NM_001406507.1); c.229G>A, p.Gly77Ser (NM_004949.5); short protein forms G77S.
Identifiers: ClinVar variation 2736718 (VCV002736718.3), dbSNP rs2510956199, ClinGen allele CA402114831.